The following is an entry in ClinVar:

ClinVar aggregate classification (germline): Pathogenic (1 of 4 stars; one submission).

Submission:

Quest Diagnostics Nichols Institute San Juan Capistrano
Classification: Pathogenic. Last evaluated: 2025-04-15. Review status: criteria provided, single submitter. Criteria: ACMG/ClinGen CNV Guidelines, 2019. Collection method: clinical testing. Allele origin: unknown.
Comment: This deletion involves at least eight protein-coding genes, including STS (OMIM 300747), and contains the complete Xp22.31 recurrent region. Hemizygous deletions of the Xp22.31 recurrent region have been reported in individuals with variable neurodevelopmental disorders (Guo 2017, Isrie 2012, Labonne 2020, Willemsen 2012, Wu 2023). Larger hemizygous deletions have been identified in males with no evidence of cognitive dysfunction (Macarov 2007, Mochel 2008), suggesting reduced penetrance. Haploinsufficiency of STS is associated with X-linked ichthyosis (XLI; OMIM 308100; ISCA-37417, Gubb 2020, Kent 2008, Myers 2020, Fernandes 2010, Zhang 2020). There are no similar copy number losses of this region in the general populations of the Database of Genomic Variants. Thus, based on current medical literature and gene content, this copy number variant (CNV) is classified as pathogenic; however, presentation in females is likely dependent upon X-inactivation patterns. References: Fernandes et al., J Am Acad Dermatol. 2010 Mar;62(3):480-5. PMID: 20080321 Gubb et al., Hum Mol Genet. 2020 Oct 10;29(17):2872-2881. PMID: 32766777 Guo et al., Sci Rep. 2017 Mar 10:7:44155. PMID: 28281572 Kent et al., J Med Genet. 2008 Aug;45(8):519-24. PMID: 18413370 Isrie et al., Eur J Med Genet. 2012 Nov;55(11):577-85. PMID: 22659343 Labonne et al., J Clin Med. 2020 Jan 19;9(1):274. PMID: 31963867 Macarov et al., J Intellect Disabil Res. 2007 May;51(Pt 5):329-33. PMID: 17391250 Mochel et al., Eur J Med Genet. 2008 Jan-Feb;51(1):68-73. PMID: 18194880 Myers et al., Pediatr Neurol. 2020 Jul;108:113-116. PMID: 32299744 Willemsen et al., Eur J Med Genet. 2012 Nov;55(11):586-98. PMID: 22796527 Wu et al., Front Genet. 2023 Jun 6:14:1025390. PMID: 37347056 Zhang et al., J Clin Lab Anal. 2020 May;34(5):e23201. PMID: 31944387

GRCh37/hg19 Xp22.32-22.31(chrX:5723890-8448373)x1

Genes: VCX2 (variable charge X-linked 2; minus strand), NLGN4X (neuroligin 4 X-linked; minus strand), PNPLA4 (patatin like domain 4, phospholipase and triacylglycerol lipase; minus strand), PUDP (pseudouridine 5'-phosphatase; minus strand), STS (steroid sulfatase; plus strand) and 3 more. Cytogenetic location: Xp22.32-22.31.
Variant type: copy number loss.
Change: copy number 1 of chrX:5,723,890-8,448,373 (2.72 Mb, GRCh37 coordinates, 1-based), cytogenetic band Xp22.32-22.31.
Identifiers: ClinVar variation 4683030 (VCV004683030.1).